The following is an entry in ClinVar:

ClinVar aggregate classification (germline): Uncertain significance (1 of 4 stars; one submission).

Submission:

GeneDx
Classification: Uncertain significance. Last evaluated: 2025-05-28. Review status: criteria provided, single submitter. Criteria: GeneDx Variant Classification Process June 2021. Collection method: clinical testing. Allele origin: germline. Affected: yes.
Comment: Not observed at significant frequency in large population cohorts (gnomAD); In silico analysis supports that this missense variant has a deleterious effect on protein structure/function; Has not been previously published as pathogenic or benign to our knowledge

NM_016148.5(SHANK1):c.2123G>C (p.Gly708Ala)

Gene: SHANK1 (SH3 and multiple ankyrin repeat domains 1; minus strand). Cytogenetic location: 19q13.33.
Variant type: single nucleotide variant.
Coding change: c.2123G>C on transcript NM_016148.5 (MANE Select); coding-DNA position 2123, G replaced by C.
Protein change: p.Gly708Ala; replaces glycine 708 with alanine.
Molecular consequence: missense variant.
Genome position (GRCh38, 1-based): chr19:50,688,893, C>G on the plus strand (G>C on the coding strand, the complement: SHANK1 is on the minus strand). VCF-style: chr19-50688893-C-G. GRCh37 (hg19) VCF-style: chr19-51192150-C-G.
Other names: short protein forms G708A.
Identifiers: ClinVar variation 4532683 (VCV004532683.1).